The following is an entry in ClinVar:

ClinVar aggregate classification (germline): Uncertain significance. Review status: criteria provided, multiple submitters, no conflicts (2 of 4 stars). 7 submissions from 7 submitters: Uncertain significance (6). 1 of the submissions does not count toward it. Last evaluated 2025-11-26.

Conditions:
Autosomal recessive limb-girdle muscular dystrophy type 2A (LGMDR1). Also called: LEYDEN-MOEBIUS MUSCULAR DYSTROPHY; MUSCULAR DYSTROPHY, PELVOFEMORAL; Limb-girdle muscular dystrophy, type 2A; Calpainopathy; Muscular dystrophy, limb-girdle, type 2A, Amish. Identifiers: Orphanet 267, MedGen C1869123, MONDO:0009675, OMIM 253600. Disease mechanism: loss of function.
Inborn genetic diseases. Identifiers: MedGen C0950123, MeSH D030342.

Allele frequency attached by ClinVar (database versions not stated): ExAC 0.00001; gnomAD 0.00002 and 0.00003; gnomAD exomes 0.00002 and 0.00012; TOPMed 0.00005.
gnomAD v4.1: 175 of 1,612,348 alleles (0.011%); highest among the groups gnomAD compares: Non-Finnish European, 0.014%; no homozygotes.

Submissions (7):

Ambry Genetics
Classification: Uncertain significance for Inborn genetic diseases. Last evaluated: 2025-11-26. Review status: criteria provided, single submitter. Criteria: Ambry Variant Classification Scheme 2023. Collection method: clinical testing. Allele origin: germline.

Revvity Omics, Revvity
Classification: Uncertain significance. Last evaluated: 2025-08-04. Review status: criteria provided, single submitter. Criteria: ACMG Guidelines, 2015. Collection method: clinical testing. Allele origin: germline.

Labcorp Genetics (formerly Invitae), Labcorp
Classification: Uncertain significance for Autosomal recessive limb-girdle muscular dystrophy type 2A. Last evaluated: 2025-06-19. Review status: criteria provided, single submitter. Criteria: Invitae Variant Classification Sherloc (09022015). Collection method: clinical testing. Allele origin: germline.
Comment: This sequence change replaces aspartic acid, which is acidic and polar, with glutamic acid, which is acidic and polar, at codon 686 of the CAPN3 protein (p.Asp686Glu). This variant is present in population databases (rs749614603, gnomAD 0.006%). This variant has not been reported in the literature in individuals affected with CAPN3-related conditions. ClinVar contains an entry for this variant (Variation ID: 885874). Invitae Evidence Modeling of protein sequence and biophysical properties (such as structural, functional, and spatial information, amino acid conservation, physicochemical variation, residue mobility, and thermodynamic stability) indicates that this missense variant is not expected to disrupt CAPN3 protein function with a negative predictive value of 80%. In summary, the available evidence is currently insufficient to determine the role of this variant in disease. Therefore, it has been classified as a Variant of Uncertain Significance.

CeGaT Center for Human Genetics Tuebingen
Classification: Uncertain significance. Last evaluated: 2024-10-01. Review status: criteria provided, single submitter. Criteria: CeGaT Center For Human Genetics Tuebingen Variant Classification Criteria Version 2. Collection method: clinical testing. Allele origin: germline. Affected: yes. Observed: 1 variant allele.

GeneDx
Classification: Uncertain significance. Last evaluated: 2024-09-11. Review status: criteria provided, single submitter. Criteria: GeneDx Variant Classification Process June 2021. Collection method: clinical testing. Allele origin: germline. Affected: yes.
Comment: In silico analysis supports that this missense variant has a deleterious effect on protein structure/function; Has not been previously published as pathogenic or benign to our knowledge

Illumina Laboratory Services, Illumina
Classification: Uncertain significance for Limb-girdle muscular dystrophy, type 2A. Last evaluated: 2018-01-13. Review status: criteria provided, single submitter. Criteria: ICSL Variant Classification Criteria 13 December 2019. Collection method: clinical testing. Allele origin: germline.

Natera, Inc.
Classification: Uncertain significance for Limb-girdle muscular dystrophy type 2A. Last evaluated: 2020-04-07. Review status: no assertion criteria provided. Collection method: clinical testing. Allele origin: germline. Not counted in ClinVar's aggregate classification.

NM_000070.3(CAPN3):c.2058C>G (p.Asp686Glu)

Gene: CAPN3 (calpain 3; plus strand). Cytogenetic location: 15q15.1.
Variant type: single nucleotide variant.
Coding change: c.2058C>G on transcript NM_000070.3 (MANE Select); coding-DNA position 2058, C replaced by G.
Protein change: p.Asp686Glu; replaces aspartic acid 686 with glutamic acid.
Molecular consequence: missense variant.
Genome position (GRCh38, 1-based): chr15:42,409,938, C>G. VCF-style: chr15-42409938-C-G. GRCh37 (hg19) VCF-style: chr15-42702136-C-G.
Other names: c.2040C>G, p.Asp680Glu (NM_024344.2); c.1782C>G, p.Asp594Glu (NM_173087.2); c.522C>G, p.Asp174Glu (NM_173088.2); c.63C>G, p.Asp21Glu (NM_173089.2, NM_173090.2); short protein forms D174E, D680E, D686E, D594E, D21E.
Identifiers: ClinVar variation 885874 (VCV000885874.27), dbSNP rs749614603, ClinGen allele CA7511702.